The following is an entry in ClinVar:

ClinVar aggregate classification (germline): Uncertain significance (1 of 4 stars; one submission).

Conditions:
Hereditary cancer-predisposing syndrome. Also called: Hereditary neoplastic syndrome; Neoplastic Syndromes, Hereditary; Tumor predisposition; Hereditary Cancer Syndrome. Identifiers: Orphanet 140162, MedGen C0027672, MeSH D009386, MONDO:0015356.

Submission:

Ambry Genetics
Classification: Uncertain significance for Hereditary cancer-predisposing syndrome. Last evaluated: 2025-08-27. Review status: criteria provided, single submitter. Criteria: Ambry Variant Classification Scheme 2023. Collection method: clinical testing. Allele origin: germline.
Comment: The p.Q210P variant (also known as c.629A>C), located in coding exon 8 of the MUTYH gene, results from an A to C substitution at nucleotide position 629. The glutamine at codon 210 is replaced by proline, an amino acid with similar properties. This amino acid position is conserved. In addition, the in silico prediction for this alteration is inconclusive. Based on the available evidence, the clinical significance of this variant remains unclear.

NM_001048174.2(MUTYH):c.545A>C (p.Gln182Pro)

Gene: MUTYH (mutY DNA glycosylase; minus strand). Cytogenetic location: 1p34.1.
Variant type: single nucleotide variant.
Coding change: c.545A>C on transcript NM_001048174.2 (MANE Select); coding-DNA position 545, A replaced by C.
Protein change: p.Gln182Pro; replaces glutamine 182 with proline.
Molecular consequence: missense variant. On other transcripts: non-coding transcript variant (7).
Genome position (GRCh38, 1-based): chr1:45,332,635, T>G on the plus strand (A>C on the coding strand, the complement: MUTYH is on the minus strand). VCF-style: chr1-45332635-T-G. GRCh37 (hg19) VCF-style: chr1-45798307-T-G.
Other names: c.269A>C, p.Gln90Pro (NM_001407091.1, NM_001293192.2, NM_001293196.2); c.620A>C, p.Gln207Pro (NM_012222.3); c.545A>C, p.Gln182Pro (NM_001048173.2, NM_001293195.2, NM_001407081.1 and 6 more transcripts); c.629A>C, p.Gln210Pro (NM_001128425.2); c.590A>C, p.Gln197Pro (NM_001293190.2); c.578A>C, p.Gln193Pro (NM_001293191.2, NM_001407069.1, NM_001407077.1); c.200A>C, p.Gln67Pro (NM_001350650.2, NM_001407082.1, NM_001350651.2); c.506A>C, p.Gln169Pro (NM_001407079.1); and 5 more; short protein forms Q154P, Q183P, Q189P, Q193P, Q168P, Q169P, Q207P, Q90P.
Identifiers: ClinVar variation 4113775 (VCV004113775.1).
Genomic context (GRCh38, chr1:45,332,635, plus strand): 5'-TGGCCAAAGGCGATAGAGGCAATGGCCCCAGCTGTGTAGCGCCCCACGCCAGGCAGGAGC[T>G]GCTGCAGGGTCTCTGCTGTACGTGGCATGTGGCCCCCTAGCTCCTCTACCACCTGATTGG-3'
Protein context (NP_001041639.1, residues 172-192): HMPRTAETLQ[Gln182Pro]LLPGVGRYTA